The following is an entry in ClinVar:

ClinVar aggregate classification (germline): Uncertain significance. Review status: criteria provided, multiple submitters, no conflicts (2 of 4 stars). 2 submissions from 2 submitters: Uncertain significance (2). Last evaluated 2025-04-01.

Allele frequency attached by ClinVar (database versions not stated): gnomAD exomes below 0.00001; gnomAD 0.00001; TOPMed 0.00001.

Submissions (2):

Ambry Genetics
Classification: Uncertain significance. Last evaluated: 2025-04-01. Review status: criteria provided, single submitter. Criteria: Ambry Variant Classification Scheme 2023. Collection method: clinical testing. Allele origin: germline.

Labcorp Genetics (formerly Invitae), Labcorp
Classification: Uncertain significance. Last evaluated: 2024-02-19. Review status: criteria provided, single submitter. Criteria: Invitae Variant Classification Sherloc (09022015). Collection method: clinical testing. Allele origin: germline.
Comment: This sequence change replaces aspartic acid, which is acidic and polar, with asparagine, which is neutral and polar, at codon 52 of the DRP2 protein (p.Asp52Asn). This variant is not present in population databases (gnomAD no frequency). This variant has not been reported in the literature in individuals affected with DRP2-related conditions. ClinVar contains an entry for this variant (Variation ID: 1369090). Algorithms developed to predict the effect of missense changes on protein structure and function output the following: SIFT: "Not Available"; PolyPhen-2: "Benign"; Align-GVGD: "Not Available". The asparagine amino acid residue is found in multiple mammalian species, which suggests that this missense change does not adversely affect protein function. In summary, the available evidence is currently insufficient to determine the role of this variant in disease. Therefore, it has been classified as a Variant of Uncertain Significance.

NM_001939.3(DRP2):c.154G>A (p.Asp52Asn)

Gene: DRP2 (dystrophin related protein 2; plus strand). Cytogenetic location: Xq22.1.
Variant type: single nucleotide variant.
Coding change: c.154G>A on transcript NM_001939.3 (MANE Select); coding-DNA position 154, G replaced by A.
Protein change: p.Asp52Asn; replaces aspartic acid 52 with asparagine.
Molecular consequence: missense variant. On other transcripts: 5 prime UTR variant (1).
Genome position (GRCh38, 1-based): chrX:101,235,896, G>A. VCF-style: chrX-101235896-G-A. GRCh37 (hg19) VCF-style: chrX-100490885-G-A.
Other names: c.154G>A (NM_001939.2); c.-81G>A (NM_001171184.2); short protein forms D52N.
Identifiers: ClinVar variation 1369090 (VCV001369090.9), dbSNP rs1922483408, ClinGen allele CA413910193.